The following is an entry in ClinVar:

ClinVar aggregate classification (germline): Uncertain significance (1 of 4 stars; one submission).

Conditions:
Inborn genetic diseases. Identifiers: MedGen C0950123, MeSH D030342.

Submission:

Ambry Genetics
Classification: Uncertain significance for Inborn genetic diseases. Last evaluated: 2026-05-24. Review status: criteria provided, single submitter. Criteria: Ambry Variant Classification Scheme 2023. Collection method: clinical testing. Allele origin: germline.
Comment: The p.G34V variant (also known as c.101G>T), located in coding exon 2 of the USB1 gene, results from a G to T substitution at nucleotide position 101. The glycine at codon 34 is replaced by valine, an amino acid with dissimilar properties. This amino acid position is conserved. In addition, this alteration is predicted to be tolerated by in silico analysis. Based on the available evidence, the clinical significance of this variant remains unclear.

NM_024598.4(USB1):c.101G>T (p.Gly34Val)

Gene: USB1 (U6 snRNA biogenesis phosphodiesterase 1; plus strand). Cytogenetic location: 16q21.
Variant type: single nucleotide variant.
Coding change: c.101G>T on transcript NM_024598.4 (MANE Select); coding-DNA position 101, G replaced by T.
Protein change: p.Gly34Val; replaces glycine 34 with valine.
Molecular consequence: missense variant. On other transcripts: 5 prime UTR variant (1).
Genome position (GRCh38, 1-based): chr16:58,002,481, G>T. VCF-style: chr16-58002481-G-T. GRCh37 (hg19) VCF-style: chr16-58036385-G-T.
Other names: c.101G>T, p.Gly34Val (NM_001195302.2, NM_001204911.2, NM_001330569.2); c.-53G>T (NM_001330568.2); short protein forms G34V.
Identifiers: ClinVar variation 4866370 (VCV004866370.1).
Genomic context (GRCh38, chr16:58,002,481, plus strand): 5'-CAAAGGTAGAGAATGCTAACAGGATAAATGTACTCATTTTTCTTTTTTTCTTTTGCAGTG[G>T]CCAGAGCCCCCTTCCCAGGCAGAGATTTCCAGTACCTGACAGTGTGCTGAACATGTTCCC-3'
Protein context (NP_078874.2, residues 24-44): TRPGDGSHRR[Gly34Val]QSPLPRQRFP